The following is an entry in ClinVar:

ClinVar aggregate classification (germline): Likely benign. Review status: criteria provided, multiple submitters, no conflicts (2 of 4 stars). 3 submissions from 3 submitters: Likely benign (2). 1 of the submissions does not count toward it. Last evaluated 2024-08-01.

Conditions:
CUX2-related disorder. Also called: CUX2-related condition.

Allele frequency attached by ClinVar (database versions not stated): ExAC 0.00039; TOPMed 0.00096; gnomAD 0.00100; ESP Exome Variant Server 0.00111; 1000 Genomes Project 0.00240; 1000 Genomes Project 30x 0.00281.
gnomAD v4.1: 351 of 1,610,806 alleles (0.022%); highest among the groups gnomAD compares: African/African-American, 0.31%; 1 homozygote.

Submissions (3):

CeGaT Center for Human Genetics Tuebingen
Classification: Likely benign. Last evaluated: 2024-08-01. Review status: criteria provided, single submitter. Criteria: CeGaT Center For Human Genetics Tuebingen Variant Classification Criteria Version 2. Collection method: clinical testing. Allele origin: germline. Affected: yes. Observed: 3 variant alleles.
Comment: CUX2: BP4, BP7

Blueprint Genetics
Classification: Likely benign. Last evaluated: 2024-05-29. Review status: criteria provided, single submitter. Criteria: ACMG Guidelines, 2015. Collection method: clinical testing. Allele origin: germline.

PreventionGenetics, part of Exact Sciences
Classification: Likely benign for CUX2-related condition. Last evaluated: 2019-09-13. Review status: no assertion criteria provided. Collection method: clinical testing. Allele origin: germline. Not counted in ClinVar's aggregate classification.
Comment: This variant is classified as likely benign based on ACMG/AMP sequence variant interpretation guidelines (Richards et al. 2015 PMID: 25741868, with internal and published modifications).

NM_015267.4(CUX2):c.1629G>A (p.Ala543=)

Gene: CUX2 (cut like homeobox 2; plus strand). Cytogenetic location: 12q24.12.
Variant type: single nucleotide variant.
Coding change: c.1629G>A on transcript NM_015267.4 (MANE Select); coding-DNA position 1629, G replaced by A.
Protein change: p.Ala543=; no amino-acid change (alanine 543 retained).
Molecular consequence: synonymous variant.
Genome position (GRCh38, 1-based): chr12:111,310,411, G>A. VCF-style: chr12-111310411-G-A. GRCh37 (hg19) VCF-style: chr12-111748215-G-A.
Other names: c.1443G>A, p.Ala481= (NM_001370598.1); c.1629G>A (NM_015267.3).
Identifiers: ClinVar variation 2643297 (VCV002643297.26), dbSNP rs200518721, ClinGen allele CA6788697.